The following is an entry in ClinVar:

NM_006031.6(PCNT):c.9632T>G (p.Phe3211Cys)

Gene: PCNT (pericentrin; plus strand). Cytogenetic location: 21q22.3.
Variant type: single nucleotide variant.
Coding change: c.9632T>G on transcript NM_006031.6 (MANE Select); coding-DNA position 9632, T replaced by G.
Protein change: p.Phe3211Cys; replaces phenylalanine 3211 with cysteine.
Molecular consequence: missense variant.
Genome position (GRCh38, 1-based): chr21:46,442,505, T>G. VCF-style: chr21-46442505-T-G. GRCh37 (hg19) VCF-style: chr21-47862418-T-G.
Other names: c.9041T>G, p.Phe3014Cys (NM_001315529.2); short protein forms F3014C, F3211C.
Identifiers: ClinVar variation 894869 (VCV000894869.5), dbSNP rs559822257, ClinGen allele CA10081404.
Genomic context (GRCh38, chr21:46,442,505, plus strand): 5'-CCCTTCCTGTCTTGCCGTACTTTTAAGTGTGTCTTGTCTCTTTTTTTTGTAGATTACGTT[T>G]TTTGGTTAAGAAATGGCAAGAAGTAGATCGGAAAGGAGCTCTGGCACAAGGCAAAGCCCC-3'
Protein context (NP_006022.3, residues 3201-3221): RVVIAILRLR[Phe3211Cys]LVKKWQEVDR

ClinVar aggregate classification (germline): Uncertain significance. Review status: criteria provided, multiple submitters, no conflicts (2 of 4 stars). 2 submissions from 2 submitters: Uncertain significance (2). Last evaluated 2024-12-18.

Conditions:
PCNT-related disorder. Also called: PCNT-related condition.
Microcephalic osteodysplastic primordial dwarfism type II (MOPD2). Also called: Microcephalic osteodysplastic primordial dwarfism with tooth abnormalities; MOPD II; OSTEODYSPLASTIC PRIMORDIAL DWARFISM, TYPE II. Identifiers: Orphanet 2637, MedGen C0432246, MONDO:0008872, OMIM 210720.

Allele frequency attached by ClinVar (database versions not stated): gnomAD below 0.00001 and 0.00005; TOPMed 0.00001; gnomAD exomes 0.00008 and 0.00018; ExAC 0.00019; 1000 Genomes Project 30x 0.00047; 1000 Genomes Project 0.00060.
gnomAD v4.1: 118 of 1,608,148 alleles (0.0073%); highest among the groups gnomAD compares: South Asian, 0.13%; no homozygotes.

Submissions (2):

PreventionGenetics, part of Exact Sciences
Classification: Uncertain significance for PCNT-related condition. Last evaluated: 2024-12-18. Review status: criteria provided, single submitter. Criteria: ACMG Guidelines, 2015. Collection method: clinical testing. Allele origin: germline.
Comment: The PCNT c.9632T>G variant is predicted to result in the amino acid substitution p.Phe3211Cys. To our knowledge, this variant has not been reported in the literature. This variant is reported in 0.15% of alleles in individuals of South Asian descent in gnomAD, which may be too frequent to be a primary cause of disease. Although we suspect that this variant may be benign, at this time, the clinical significance of this variant is uncertain due to the absence of conclusive functional and genetic evidence.

Illumina Laboratory Services, Illumina
Classification: Uncertain significance for Microcephalic osteodysplastic primordial dwarfism type II. Last evaluated: 2018-01-13. Review status: criteria provided, single submitter. Criteria: ICSL Variant Classification Criteria 13 December 2019. Collection method: clinical testing. Allele origin: germline.